The following is an entry in ClinVar:

ClinVar aggregate classification (germline): Uncertain significance (1 of 4 stars; one submission).

Conditions:
Eichsfeld type congenital muscular dystrophy (CMYO3). Also called: Rigid spine muscular dystrophy 1; MYOPATHY, SEPN1-RELATED; SELENON-related myopathy; Congenital myopathy 3 with rigid spine. Identifiers: MedGen C0410180, MONDO:0100100, OMIM 602771.

Allele frequency attached by ClinVar (database versions not stated): ExAC 0.00001.

Submission:

Labcorp Genetics (formerly Invitae), Labcorp
Classification: Uncertain significance for Eichsfeld type congenital muscular dystrophy. Last evaluated: 2022-07-13. Review status: criteria provided, single submitter. Criteria: Invitae Variant Classification Sherloc (09022015). Collection method: clinical testing. Allele origin: germline.
Comment: This sequence change replaces leucine, which is neutral and non-polar, with glutamine, which is neutral and polar, at codon 99 of the SELENON protein (p.Leu99Gln). This variant is present in population databases (rs757526471, gnomAD 0.006%). This variant has not been reported in the literature in individuals affected with SELENON-related conditions. Algorithms developed to predict the effect of missense changes on protein structure and function are either unavailable or do not agree on the potential impact of this missense change (SIFT: "Deleterious"; PolyPhen-2: "Probably Damaging"; Align-GVGD: "Class C0"). In summary, the available evidence is currently insufficient to determine the role of this variant in disease. Therefore, it has been classified as a Variant of Uncertain Significance.

NM_206926.2(SELENON):c.296T>A (p.Leu99Gln)

Gene: SELENON (selenoprotein N; plus strand). Cytogenetic location: 1p36.11.
Variant type: single nucleotide variant.
Coding change: c.296T>A on transcript NM_206926.2 (MANE Select); coding-DNA position 296, T replaced by A.
Protein change: p.Leu99Gln; replaces leucine 99 with glutamine.
Molecular consequence: missense variant.
Genome position (GRCh38, 1-based): chr1:25,801,155, T>A. VCF-style: chr1-25801155-T-A. GRCh37 (hg19) VCF-style: chr1-26127646-T-A.
Other names: c.296T>A, p.Leu99Gln (NM_020451.3); short protein forms L99Q.
Identifiers: ClinVar variation 2016585 (VCV002016585.4), dbSNP rs757526471, ClinGen allele CA696463.
Genomic context (GRCh38, chr1:25,801,155, plus strand): 5'-TGGACACTGACGGGGATATGTACATCAGCCCTGAGGAGTTCAAACCCATTGCTGAGAAGC[T>A]AACAGGTACCAGGAGAGACTGGCGGCTGGGGAGGAGGGCGCCTTGGCCAACGGTGTCTTC-3'
Protein context (NP_996809.1, residues 89-109): PEEFKPIAEK[Leu99Gln]TGSTPAASCE